The following is an entry in ClinVar:

NM_001206999.2(CIT):c.34T>C (p.Leu12=)

Gene: CIT (citron rho-interacting serine/threonine kinase; minus strand). Cytogenetic location: 12q24.23.
Variant type: single nucleotide variant.
Coding change: c.34T>C on transcript NM_001206999.2 (MANE Select); coding-DNA position 34, T replaced by C.
Protein change: p.Leu12=; no amino-acid change (leucine 12 retained).
Molecular consequence: synonymous variant.
Genome position (GRCh38, 1-based): chr12:119,876,135, A>G on the plus strand (T>C on the coding strand, the complement: CIT is on the minus strand). VCF-style: chr12-119876135-A-G. GRCh37 (hg19) VCF-style: chr12-120313939-A-G.
Other names: c.34T>C, p.Leu12= (NM_007174.3).
Identifiers: ClinVar variation 759834 (VCV000759834.28), dbSNP rs377113561, ClinGen allele CA6822538.

ClinVar aggregate classification (germline): Likely benign. Review status: criteria provided, multiple submitters, no conflicts (2 of 4 stars). 2 submissions from 2 submitters: Likely benign (2). Last evaluated 2025-07-14.

Allele frequency attached by ClinVar (database versions not stated): gnomAD 0.00001 and 0.00003; ExAC 0.00002; gnomAD exomes 0.00002 and 0.00003; TOPMed 0.00003; ESP Exome Variant Server 0.00008; 1000 Genomes Project 30x 0.00016; 1000 Genomes Project 0.00020.
gnomAD v4.1: 34 of 1,613,962 alleles (0.0021%); highest among the groups gnomAD compares: East Asian, 0.011%; no homozygotes.

Submissions (2):

Labcorp Genetics (formerly Invitae), Labcorp
Classification: Likely benign. Last evaluated: 2025-07-14. Review status: criteria provided, single submitter. Criteria: Invitae Variant Classification Sherloc (09022015). Collection method: clinical testing. Allele origin: germline.

CeGaT Center for Human Genetics Tuebingen
Classification: Likely benign. Last evaluated: 2024-05-01. Review status: criteria provided, single submitter. Criteria: CeGaT Center For Human Genetics Tuebingen Variant Classification Criteria Version 2. Collection method: clinical testing. Allele origin: germline. Affected: yes. Observed: 2 variant alleles.
Comment: CIT: BP4, BP7